The following is an entry in ClinVar:

NM_003072.5(SMARCA4):c.1513G>A (p.Ala505Thr)

Gene: SMARCA4 (SWI/SNF related BAF chromatin remodeling complex subunit ATPase 4; plus strand). Cytogenetic location: 19p13.2.
Variant type: single nucleotide variant.
Coding change: c.1513G>A on transcript NM_003072.5 (MANE Select); coding-DNA position 1513, G replaced by A.
Protein change: p.Ala505Thr; replaces alanine 505 with threonine.
Molecular consequence: missense variant. On other transcripts: non-coding transcript variant (1).
Genome position (GRCh38, 1-based): chr19:10,994,921, G>A. VCF-style: chr19-10994921-G-A. GRCh37 (hg19) VCF-style: chr19-11105597-G-A.
Other names: c.1513G>A, p.Ala505Thr (NM_001128844.3, NM_001128845.2, NM_001128846.2 and 5 more transcripts); short protein forms A505T.
Identifiers: ClinVar variation 470247 (VCV000470247.16), dbSNP rs1555762079, ClinGen allele CA404062152.

ClinVar aggregate classification (germline): Uncertain significance. Review status: criteria provided, multiple submitters, no conflicts (2 of 4 stars). 3 submissions from 3 submitters: Uncertain significance (3). Last evaluated 2025-01-11.

Conditions:
Hereditary cancer-predisposing syndrome. Also called: Hereditary neoplastic syndrome; Neoplastic Syndromes, Hereditary; Tumor predisposition; Hereditary Cancer Syndrome. Identifiers: Orphanet 140162, MedGen C0027672, MeSH D009386, MONDO:0015356.
Intellectual disability, autosomal dominant 16 (CSS4). Also called: COFFIN-SIRIS SYNDROME 4. Identifiers: Orphanet 1465, MedGen C3553249, MONDO:0013821, OMIM 614609.
Rhabdoid tumor predisposition syndrome 2 (RTPS2). Identifiers: Orphanet 231108, Orphanet 69077, MedGen C2750074, MONDO:0013224, OMIM 613325.

Allele frequency attached by ClinVar (database versions not stated): gnomAD exomes below 0.00001; TOPMed below 0.00001.
gnomAD v4.1: 1 of 1,614,138 alleles (0.000062%); highest among the groups gnomAD compares: Non-Finnish European, 0.000085%; no homozygotes.

Submissions (3):

Labcorp Genetics (formerly Invitae), Labcorp
Classification: Uncertain significance for Rhabdoid tumor predisposition syndrome 2. Last evaluated: 2025-01-11. Review status: criteria provided, single submitter. Criteria: Invitae Variant Classification Sherloc (09022015). Collection method: clinical testing. Allele origin: germline.
Comment: This sequence change replaces alanine, which is neutral and non-polar, with threonine, which is neutral and polar, at codon 505 of the SMARCA4 protein (p.Ala505Thr). This variant is not present in population databases (gnomAD no frequency). This variant has not been reported in the literature in individuals affected with SMARCA4-related conditions. ClinVar contains an entry for this variant (Variation ID: 470247). Invitae Evidence Modeling of protein sequence and biophysical properties (such as structural, functional, and spatial information, amino acid conservation, physicochemical variation, residue mobility, and thermodynamic stability) indicates that this missense variant is not expected to disrupt SMARCA4 protein function with a negative predictive value of 95%. In summary, the available evidence is currently insufficient to determine the role of this variant in disease. Therefore, it has been classified as a Variant of Uncertain Significance.

Ambry Genetics
Classification: Uncertain significance for Hereditary cancer-predisposing syndrome. Last evaluated: 2024-08-15. Review status: criteria provided, single submitter. Criteria: Ambry Variant Classification Scheme 2023. Collection method: clinical testing. Allele origin: germline.
Comment: The p.A505T variant (also known as c.1513G>A), located in coding exon 8 of the SMARCA4 gene, results from a G to A substitution at nucleotide position 1513. The alanine at codon 505 is replaced by threonine, an amino acid with similar properties. This variant has been detected in multiple individuals with no reported features of Coffin-Siris syndrome (Ambry internal data). This amino acid position is highly conserved in available vertebrate species. In addition, this alteration is predicted to be tolerated by in silico analysis. Based on the supporting evidence, the association of this alteration with rhabdoid tumor predisposition syndrome is unknown; however, the association of this alteration with Coffin-Siris syndrome is unlikely.

Genome-Nilou Lab
Classification: Uncertain significance for Intellectual disability, autosomal dominant 16. Last evaluated: 2021-07-15. Review status: criteria provided, single submitter. Criteria: ACMG Guidelines, 2015. Collection method: clinical testing. Allele origin: germline. Affected: no.